The following is an entry in ClinVar:

ClinVar aggregate classification (germline): Likely benign. Review status: criteria provided, multiple submitters, no conflicts (2 of 4 stars). 3 submissions from 3 submitters: Likely benign (2). 1 of the submissions does not count toward it. Last evaluated 2025-05-19.

Conditions:
Leber congenital amaurosis (LCA). Also called: Leber's amaurosis. Identifiers: Orphanet 65, MedGen C0339527, MeSH D057130, MONDO:0018998.
Retinitis pigmentosa 12 (RP12). Also called: RP WITH OR WITHOUT PPRPE; RP WITH OR WITHOUT PRESERVED PARAARTERIOLE RETINAL PIGMENT EPITHELIUM; RETINITIS PIGMENTOSA WITH OR WITHOUT PARAARTERIOLAR PRESERVATION OF RETINAL PIGMENT EPITHELIUM. Identifiers: Orphanet 791, MedGen C1838647, MONDO:0010818, OMIM 600105.
Leber congenital amaurosis 8 (LCA8). Identifiers: Orphanet 65, MedGen C3151202, MONDO:0013453, OMIM 613835.
CRB1-related disorder. Also called: CRB1-related disorders; CRB1-related condition.

Allele frequency attached by ClinVar (database versions not stated): gnomAD 0.00002; TOPMed 0.00007; gnomAD exomes 0.00010; ExAC 0.00011.
gnomAD v4.1: 24 of 1,613,602 alleles (0.0015%); highest among the groups gnomAD compares: East Asian, 0.045%; no homozygotes.

Submissions (3):

Labcorp Genetics (formerly Invitae), Labcorp
Classification: Likely benign for Leber congenital amaurosis 8; Retinitis pigmentosa 12. Last evaluated: 2025-05-19. Review status: criteria provided, single submitter. Criteria: Invitae Variant Classification Sherloc (09022015). Collection method: clinical testing. Allele origin: germline.

PreventionGenetics, part of Exact Sciences
Classification: Likely benign for CRB1-related condition. Last evaluated: 2024-10-31. Review status: criteria provided, single submitter. Criteria: ACMG Guidelines, 2015. Collection method: clinical testing. Allele origin: germline.
Comment: This variant is classified as likely benign based on ACMG/AMP sequence variant interpretation guidelines (Richards et al. 2015 PMID: 25741868, with internal and published modifications).

Natera, Inc.
Classification: Uncertain significance for Leber congenital amaurosis. Last evaluated: 2020-01-24. Review status: no assertion criteria provided. Collection method: clinical testing. Allele origin: germline. Not counted in ClinVar's aggregate classification.

NM_201253.3(CRB1):c.2901G>T (p.Gly967=)

Gene: CRB1 (crumbs cell polarity complex component 1; plus strand). Cytogenetic location: 1q31.3.
Variant type: single nucleotide variant.
Coding change: c.2901G>T on transcript NM_201253.3 (MANE Select); coding-DNA position 2901, G replaced by T.
Protein change: p.Gly967=; no amino-acid change (glycine 967 retained).
Molecular consequence: synonymous variant. On other transcripts: non-coding transcript variant (2), intron variant (1).
Genome position (GRCh38, 1-based): chr1:197,434,764, G>T. VCF-style: chr1-197434764-G-T. GRCh37 (hg19) VCF-style: chr1-197403894-G-T.
Other names: c.2565G>T, p.Gly855= (NM_001193640.2); c.2829G>T, p.Gly943= (NM_001257965.2); c.2129-836G>T (NM_001257966.2).
Identifiers: ClinVar variation 765807 (VCV000765807.11), dbSNP rs773815247, ClinGen allele CA1312243.